The following is an entry in ClinVar:

ClinVar aggregate classification (germline): Uncertain significance. Review status: criteria provided, single submitter (1 of 4 stars). 2 submissions from 2 submitters: Uncertain significance (1). 1 of the submissions does not count toward it. Last evaluated 2022-06-14.

Conditions:
Alstrom syndrome (ALMS). Identifiers: Orphanet 64, MedGen C0268425, MONDO:0008763, OMIM 203800.

Allele frequency attached by ClinVar (database versions not stated): gnomAD exomes below 0.00001; ExAC 0.00001.
gnomAD v4.1: 1 of 1,613,866 alleles (0.000062%); highest among the groups gnomAD compares: Non-Finnish European, 0.000085%; no homozygotes.

Submissions (2):

Labcorp Genetics (formerly Invitae), Labcorp
Classification: Uncertain significance for Alstrom syndrome. Last evaluated: 2022-06-14. Review status: criteria provided, single submitter. Criteria: Invitae Variant Classification Sherloc (09022015). Collection method: clinical testing. Allele origin: germline.
Comment: This sequence change replaces alanine, which is neutral and non-polar, with threonine, which is neutral and polar, at codon 853 of the ALMS1 protein (p.Ala853Thr). This variant is present in population databases (rs747287409, gnomAD 0.0009%). This variant has not been reported in the literature in individuals affected with ALMS1-related conditions. Experimental studies and prediction algorithms are not available or were not evaluated, and the functional significance of this variant is currently unknown. In summary, the available evidence is currently insufficient to determine the role of this variant in disease. Therefore, it has been classified as a Variant of Uncertain Significance.

Natera, Inc.
Classification: Uncertain significance for Alstrom syndrome. Last evaluated: 2025-05-21. Review status: no assertion criteria provided. Collection method: clinical testing. Allele origin: germline. Not counted in ClinVar's aggregate classification.

NM_001378454.1(ALMS1):c.2554G>A (p.Ala852Thr)

Gene: ALMS1 (ALMS1 centrosome and basal body associated protein; plus strand). Cytogenetic location: 2p13.1.
Variant type: single nucleotide variant.
Coding change: c.2554G>A on transcript NM_001378454.1 (MANE Select); coding-DNA position 2554, G replaced by A.
Protein change: p.Ala852Thr; replaces alanine 852 with threonine.
Molecular consequence: missense variant.
Genome position (GRCh38, 1-based): chr2:73,449,081, G>A. VCF-style: chr2-73449081-G-A. GRCh37 (hg19) VCF-style: chr2-73676208-G-A.
Other names: c.2557G>A, p.Ala853Thr (NM_015120.4); short protein forms A853T, A852T.
Identifiers: ClinVar variation 2201876 (VCV002201876.2), dbSNP rs747287409, ClinGen allele CA1713377.
Genomic context (GRCh38, chr2:73,449,081, plus strand): 5'-GAAGAGGCTCTGAAAGTTTCAGCTGTTTCTGGACCAGCTGACGGAAAGACTGGGACACCA[G>A]CTGTAACCTCTACTTCCTCTGCGTCCTCTTCACTTGGAGAAAAGCCCAGTGCTTTCTATC-3'
Protein context (NP_001365383.1, residues 842-862): GPADGKTGTP[Ala852Thr]VTSTSSASSS